The following is an entry in ClinVar:

NM_177438.3(DICER1):c.4818_4819delinsAT (p.Arg1607Trp)

Gene: DICER1 (dicer 1, ribonuclease III; minus strand). Cytogenetic location: 14q32.13.
Variant type: Indel.
Coding change: c.4818_4819delinsAT on transcript NM_177438.3 (MANE Select); coding-DNA positions 4818 to 4819, TC replaced by AT.
Protein change: p.Arg1607Trp; replaces arginine 1607 with tryptophan.
Molecular consequence: missense variant. On other transcripts: non-coding transcript variant (6).
Genome position (GRCh38, 1-based): chr14:95,096,101-95,096,102, GA replaced by AT on the plus strand (TC replaced by AT on the coding strand, the reverse complement: DICER1 is on the minus strand). VCF-style: chr14-95096101-GA-AT. GRCh37 (hg19) VCF-style: chr14-95562438-GA-AT.
Other names: c.4818_4819delinsAT, p.Arg1607Trp (NM_001195573.1, NM_001271282.3, NM_001291628.2 and 12 more transcripts); c.4536_4537delinsAT, p.Arg1513Trp (NM_001395686.1); c.4413_4414delinsAT, p.Arg1472Trp (NM_001395687.1, NM_001395688.1, NM_001395689.1 and 2 more transcripts); c.4251_4252delinsAT, p.Arg1418Trp (NM_001395691.1); c.3135_3136delinsAT, p.Arg1046Trp (NM_001395697.1); short protein forms R1513W, R1607W, R1046W, R1418W, R1472W.
Identifiers: ClinVar variation 3667453 (VCV003667453.3).
Genomic context (GRCh38, chr14:95,096,101, plus strand): 5'-CCACAGAAGCAGCAGCACAGCTCACTGAAAGGTTCTTTTGTTGGCTGTTGAAATTCTCCC[GA>AT]GTAGGGCACAGGGCCTTTTCCCGATCAGTCCTTTTAATTACCGGGAGCACCTTCAGCCCC-3'
Protein context (NP_803187.1, residues 1597-1617): TDREKALCPT[Arg1607Trp]ENFNSQQKNL

ClinVar aggregate classification (germline): Conflicting classifications of pathogenicity. Review status: criteria provided, conflicting classifications (1 of 4 stars). 2 submissions from 2 submitters: Uncertain significance (1); Likely benign (1). Last evaluated 2025-03-14.

Conditions:
DICER1-related tumor predisposition. Also called: DICER1-related pleuropulmonary blastoma cancer predisposition syndrome; DICER1 syndrome. Identifiers: Orphanet 284343, MedGen C3839822, MONDO:0100216.
Hereditary cancer-predisposing syndrome. Also called: Hereditary Cancer Syndrome; Tumor predisposition; Hereditary neoplastic syndrome; Neoplastic Syndromes, Hereditary. Identifiers: Orphanet 140162, MedGen C0027672, MeSH D009386, MONDO:0015356.

Submissions (2):

Ambry Genetics
Classification: Uncertain significance for Hereditary cancer-predisposing syndrome. Last evaluated: 2025-03-14. Review status: criteria provided, single submitter. Criteria: Ambry Variant Classification Scheme 2023. Collection method: clinical testing. Allele origin: germline.
Comment: The c.4818_4819delTCinsAT variant (also known as p.R1607W), located in coding exon 22 of the DICER1 gene, results from an in-frame deletion of TC and insertion of AT at nucleotide positions 4818 to 4819. This results in the substitution of the arginine residue for a tryptophan residue at codon 1607, an amino acid with dissimilar properties. This amino acid position is not well conserved in available vertebrate species. In addition, this alteration is predicted to be neutral by in silico analysis (Choi Y et al. PLoS ONE. 2012; 7(10):e46688). Based on the available evidence, the clinical significance of this variant remains unclear.

Labcorp Genetics (formerly Invitae), Labcorp
Classification: Likely benign for DICER1-related tumor predisposition. Last evaluated: 2024-05-20. Review status: criteria provided, single submitter. Criteria: Invitae Variant Classification Sherloc (09022015). Collection method: clinical testing. Allele origin: germline.